The following is an entry in ClinVar:

NM_002615.7(SERPINF1):c.825C>G (p.Ile275Met)

Gene: SERPINF1 (serpin family F member 1; plus strand). Cytogenetic location: 17p13.3.
Variant type: single nucleotide variant.
Coding change: c.825C>G on transcript NM_002615.7 (MANE Select); coding-DNA position 825, C replaced by G.
Protein change: p.Ile275Met; replaces isoleucine 275 with methionine.
Molecular consequence: missense variant.
Genome position (GRCh38, 1-based): chr17:1,776,570, C>G. VCF-style: chr17-1776570-C-G. GRCh37 (hg19) VCF-style: chr17-1679864-C-G.
Other names: c.825C>G, p.Ile275Met (NM_001329903.2); c.264C>G, p.Ile88Met (NM_001329904.2, NM_001329905.2); short protein forms I88M, I275M.
Identifiers: ClinVar variation 1379608 (VCV001379608.6), dbSNP rs2151212813, ClinGen allele CA397589621.

ClinVar aggregate classification (germline): Uncertain significance (1 of 4 stars; one submission).

Submission:

Labcorp Genetics (formerly Invitae), Labcorp
Classification: Uncertain significance. Last evaluated: 2021-03-18. Review status: criteria provided, single submitter. Criteria: Invitae Variant Classification Sherloc (09022015). Collection method: clinical testing. Allele origin: germline.
Comment: In summary, the available evidence is currently insufficient to determine the role of this variant in disease. Therefore, it has been classified as a Variant of Uncertain Significance. Algorithms developed to predict the effect of missense changes on protein structure and function are either unavailable or do not agree on the potential impact of this missense change (SIFT: "Not Available"; PolyPhen-2: "Benign"; Align-GVGD: "Not Available"). This variant has not been reported in the literature in individuals with SERPINF1-related conditions. This variant is not present in population databases (ExAC no frequency). This sequence change replaces isoleucine with methionine at codon 275 of the SERPINF1 protein (p.Ile275Met). The isoleucine residue is moderately conserved and there is a small physicochemical difference between isoleucine and methionine.